The following is an entry in ClinVar:

ClinVar aggregate classification (germline): Pathogenic. Review status: criteria provided, multiple submitters, no conflicts (2 of 4 stars). 3 submissions from 3 submitters: Pathogenic (2). 1 of the submissions does not count toward it. Last evaluated 2025-11-03.

Conditions:
Myasthenic syndrome, congenital, 7B, presynaptic, autosomal recessive (CMS7B). Identifiers: MedGen C5561947, MONDO:0030341, OMIM 619461.

Submissions (3):

3billion
Classification: Pathogenic for Myasthenic syndrome, congenital, 7B, presynaptic, autosomal recessive. Last evaluated: 2025-11-03. Review status: criteria provided, single submitter. Criteria: ACMG Guidelines, 2015. Collection method: clinical testing. Allele origin: germline. Affected: yes.
Comment: The variant is not observed in the gnomAD v4.1.0 dataset. Predicted Consequence/Location: Frameshift: predicted to result in a loss or disruption of normal protein function through nonsense-mediated decay (NMD) or protein truncation. Multiple pathogenic variants are reported downstream of the variant. The variant has been reported at least twice as pathogenic without evidence for the classification (ClinVar ID: VCV001192317 /PMID: 32776697). Therefore, this variant is classified as Pathogenic according to the recommendation of ACMG/AMP guideline.

Breakthrough Genomics
Classification: Pathogenic for Myasthenic syndrome, congenital, 7B, presynaptic, autosomal recessive. Last evaluated: 2023-03-06. Review status: criteria provided, single submitter. Criteria: ACMG Guidelines, 2015. Collection method: clinical testing. Allele origin: germline. Affected: yes.
Comment: This variant was previously reported in patients with presynaptic congenital myasthenic syndrome in homozygous state [PMID: 32776697]. Loss-of-function variants in the SYT2 gene are known to be pathogenic [PMID: 32776697].

OMIM
Classification: Pathogenic for MYASTHENIC SYNDROME, CONGENITAL, 7B, PRESYNAPTIC, AUTOSOMAL RECESSIVE. Last evaluated: 2021-08-06. Review status: no assertion criteria provided. Collection method: literature only. Allele origin: germline. Not counted in ClinVar's aggregate classification.

Literature cited by the submitters: PubMed 32776697 (cited by 3billion and OMIM).

NM_177402.5(SYT2):c.725dup (p.Val243fs)

Gene: SYT2 (synaptotagmin 2; minus strand). Cytogenetic location: 1q32.1.
Variant type: Duplication.
Coding change: c.725dup on transcript NM_177402.5 (MANE Select); coding-DNA position 725, one base duplicated (A; older notation c.725dupA).
Protein change: p.Val243fs; shifts the reading frame from valine 243.
Molecular consequence: frameshift variant.
Genome position (GRCh38, 1-based): chr1:202,601,966, T duplicated on the plus strand (A on the coding strand, the reverse complement: SYT2 is on the minus strand); the first of 3 consecutive T bases (chr1:202,601,966-202,601,968); duplicating any one gives the same sequence. VCF-style (leftmost placement, unchanged base first): chr1-202601965-C-CT. GRCh37 (hg19) VCF-style: chr1-202571093-C-CT.
Other names: p.Val243GlyfsTer13; c.725dupA (NM_177402.5); c.725dup, p.Val243fs (NM_001136504.1); short protein forms V243fs.
Identifiers: ClinVar variation 1192317 (VCV001192317.4), dbSNP rs2149068434, ClinGen allele CA2499214411.
Genomic context (GRCh38, chr1:202,601,965, plus strand): 5'-GCCTTGCAGGTCTCTCCACTCCTCAATGGGCTGGCCGAGGTCCACTGTGTTCATAGGCAC[C>CT]TTTACCTCTCCAATGATGTCATGTTTGGAGAAGCGGTCAAAGTCATAGATGGCCATCACC-3'